The following is an entry in ClinVar:

NM_025137.4(SPG11):c.5607del (p.Arg1869fs)

Gene: SPG11 (SPG11 vesicle trafficking associated, spatacsin; minus strand). Cytogenetic location: 15q21.1.
Variant type: Deletion.
Coding change: c.5607del on transcript NM_025137.4 (MANE Select); coding-DNA position 5607, one base deleted (A; older notation c.5607delA).
Protein change: p.Arg1869fs; shifts the reading frame from arginine 1869.
Molecular consequence: frameshift variant.
Genome position (GRCh38, 1-based): chr15:44,584,073, T deleted on the plus strand (A on the coding strand, the reverse complement: SPG11 is on the minus strand). VCF-style (leftmost placement, unchanged base first): chr15-44584072-AT-A. GRCh37 (hg19) VCF-style: chr15-44876270-AT-A.
Other names: c.5607del, p.Arg1869fs (NM_001160227.2); c.5463del, p.Arg1821fs (NM_001411132.1); short protein forms R1869fs, R1821fs.
Identifiers: ClinVar variation 2745994 (VCV002745994.3), dbSNP rs2505290665, ClinGen allele CA2697554432.

ClinVar aggregate classification (germline): Pathogenic (1 of 4 stars; one submission).

Conditions:
Hereditary spastic paraplegia 11. Also called: Nakamura Osame syndrome; Autosomal recessive hereditary spastic paraplegia, mental impairment, and thin corpus callosum; Spastic paraplegia, mental retardation and thin corpus callosum; SPASTIC PARAPLEGIA, AUTOSOMAL RECESSIVE, COMPLICATED, WITH THIN CORPUS CALLOSUM; SPASTIC PARAPLEGIA, AUTOSOMAL RECESSIVE, WITH MENTAL IMPAIRMENT AND THIN CORPUS CALLOSUM; Spastic Paraplegia 11. Identifiers: Orphanet 2822, MedGen C1858479, MONDO:0011445, OMIM 604360.

Submission:

Labcorp Genetics (formerly Invitae), Labcorp
Classification: Pathogenic for Hereditary spastic paraplegia 11. Last evaluated: 2023-07-24. Review status: criteria provided, single submitter. Criteria: Invitae Variant Classification Sherloc (09022015). Collection method: clinical testing. Allele origin: germline.
Comment: This sequence change creates a premature translational stop signal (p.Arg1869Serfs*10) in the SPG11 gene. It is expected to result in an absent or disrupted protein product. Loss-of-function variants in SPG11 are known to be pathogenic (PMID: 19105190, 20110243, 22154821, 26556829). This variant is not present in population databases (gnomAD no frequency). This variant has not been reported in the literature in individuals affected with SPG11-related conditions. For these reasons, this variant has been classified as Pathogenic.

Literature cited by the submitters: PubMed 19105190; PubMed 20110243; PubMed 22154821; PubMed 26556829.